The following is an entry in ClinVar:

ClinVar aggregate classification (germline): Pathogenic (1 of 4 stars; one submission).

Conditions:
Metachromatic leukodystrophy (MLD). Also called: ARSA DEFICIENCY; CEREBROSIDE SULFATASE DEFICIENCY; METACHROMATIC LEUKOENCEPHALOPATHY; SULFATIDE LIPIDOSIS; Cerebral sclerosis diffuse metachromatic form; Arylsulfatase A Deficiency. Identifiers: Orphanet 512, MedGen C0023522, MONDO:0018868, OMIM 250100.

Submission:

Myriad Genetics, Inc.
Classification: Pathogenic for Metachromatic leukodystrophy. Last evaluated: 2023-09-27. Review status: criteria provided, single submitter. Criteria: Myriad Autosomal Dominant, Autosomal Recessive and X-Linked Classification Criteria (2023). Collection method: clinical testing. Allele origin: unknown.
Comment: NM_000487.5(ARSA):c.660dupC(F221Lfs*54) is expected to be pathogenic in the context of metachromatic leukodystrophy. This variant is predicted to lead to an abnormal or absent protein product due to the creation of a premature termination codon in ARSA, a gene where loss-of-function variants are known to be pathogenic. Please note: this variant was assessed in the context of healthy population screening.

NM_000487.6(ARSA):c.660dup (p.Phe221fs)

Gene: ARSA (arylsulfatase A; minus strand). Cytogenetic location: 22q13.33.
Variant type: Duplication.
Coding change: c.660dup on transcript NM_000487.6 (MANE Select); coding-DNA position 660, one base duplicated (C; older notation c.660dupC).
Protein change: p.Phe221fs; shifts the reading frame from phenylalanine 221.
Molecular consequence: frameshift variant.
Genome position (GRCh38, 1-based): chr22:50,626,858, G duplicated on the plus strand (C on the coding strand, the reverse complement: ARSA is on the minus strand); the first of 4 consecutive G bases (chr22:50,626,858-50,626,861); duplicating any one gives the same sequence. VCF-style (leftmost placement, unchanged base first): chr22-50626857-A-AG. GRCh37 (hg19) VCF-style: chr22-51065285-A-AG.
Other names: c.660dup, p.Phe221fs (NM_001085425.3, NM_001085426.3, NM_001085427.3); c.402dup, p.Phe135fs (NM_001085428.3, NM_001362782.2); short protein forms F135fs, F221fs.
Identifiers: ClinVar variation 5011768 (VCV005011768.1).